The following is an entry in ClinVar:

ClinVar aggregate classification (germline): Pathogenic/Likely pathogenic. Review status: criteria provided, multiple submitters, no conflicts (2 of 4 stars). 10 submissions from 10 submitters: Pathogenic (2); Likely pathogenic (6). 2 of the submissions do not count toward it. Last evaluated 2026-07-01.

Conditions:
Cholestasis, intrahepatic, of pregnancy, 3. Identifiers: Orphanet 69665, MedGen C3554241, MONDO:0013995, OMIM 614972.
Low phospholipid associated cholelithiasis (GBD1). Also called: Gallstone cholecystitis; Gallbladder disease 1. Identifiers: Orphanet 69663, MedGen C2609268, MONDO:0010939, OMIM 600803.
Progressive familial intrahepatic cholestasis type 3. Also called: Low Gamma-GT Familial Intrahepatic Cholestasis; MDR3 DEFICIENCY. Identifiers: Orphanet 79305, MedGen C1865643, MONDO:0011214, OMIM 602347.
ABCB4-related disorder. Also called: ABCB4-related disorders; ABCB4-related condition.
Familial intrahepatic cholestasis. Identifiers: Orphanet 284385, MedGen CN296401, MONDO:0017290.
Progressive familial intrahepatic cholestasis (PFIC). Also called: Progressive intrahepatic cholestasis; Progressive family intrahepatic cholestasis. Identifiers: Orphanet 172, MedGen C0268312, MONDO:0015762.

Allele frequency attached by ClinVar (database versions not stated): gnomAD exomes below 0.00001; TOPMed below 0.00001; gnomAD 0.00001.
gnomAD v4.1: 6 of 1,613,832 alleles (0.00037%); highest among the groups gnomAD compares: African/African-American, 0.004%; no homozygotes.

Submissions (10):

CeGaT Center for Human Genetics Tuebingen
Classification: Likely pathogenic. Last evaluated: 2026-07-01. Review status: criteria provided, single submitter. Criteria: CeGaT Center For Human Genetics Tuebingen Variant Classification Criteria Version 2. Collection method: clinical testing. Allele origin: germline. Affected: yes. Observed: 1 variant allele.
Comment: ABCB4: PVS1:Strong, PM2, PM3:Supporting

Genomenon, Inc
Classification: Pathogenic for Familial intrahepatic cholestasis. Last evaluated: 2026-04-14. Review status: criteria provided, single submitter. Criteria: Genomenon Sequence Variant Interpretation Standards - Updated. Collection method: curation. Allele origin: germline. Affected: yes.
Comment: ABCB4 c.3486+1G>A is a canonical splice variant affecting the donor splice site of intron 26. It is predicted to affect mRNA splicing, leading to a deleterious effect on the ABCB4 protein. This variant has been observed in at least one proband with an ABCB4-related disorder (PMID:38343606;28039895). It is absent or not present at a significant frequency in gnomAD. In conclusion, we classify ABCB4 c.3486+1G>A as a pathogenic variant.

GeneDx
Classification: Likely pathogenic. Last evaluated: 2026-01-14. Review status: criteria provided, single submitter. Criteria: GeneDx Variant Classification Process June 2021. Collection method: clinical testing. Allele origin: germline. Affected: yes.
Comment: Canonical splice site variant predicted to result in an in-frame loss of the adjacent exon in a gene for which loss of function is a known mechanism of disease; Not observed at significant frequency in large population cohorts (gnomAD); This variant is associated with the following publications: (PMID: 28039895, 32581362, 31589614, 38343606)

Labcorp Genetics (formerly Invitae), Labcorp
Classification: Likely pathogenic. Last evaluated: 2025-12-23. Review status: criteria provided, single submitter. Criteria: Invitae Variant Classification Sherloc (09022015). Collection method: clinical testing. Allele origin: germline.
Comment: This sequence change affects a donor splice site in intron 26 of the ABCB4 gene. It is expected to disrupt RNA splicing. Variants that disrupt the donor or acceptor splice site typically lead to a loss of protein function (PMID: 16199547), and loss-of-function variants in ABCB4 are known to be pathogenic (PMID: 17726488, 25755532). This variant is present in population databases (no rsID available, gnomAD 0.007%). Disruption of this splice site has been observed in individual(s) with intrahepatic cholestasis of pregnancy and/or progressive familial intrahepatic cholestasis (PMID: 15077010, 28039895, 32581362). This variant is also known as c.3507+1G>A and c.3345+1G>A . ClinVar contains an entry for this variant (Variation ID: 501724). Algorithms developed to predict the effect of sequence changes on RNA splicing suggest that this variant may disrupt the consensus splice site. In summary, the currently available evidence indicates that the variant is pathogenic, but additional data are needed to prove that conclusively. Therefore, this variant has been classified as Likely Pathogenic.

Fulgent Genetics
Classification: Likely pathogenic for Low phospholipid associated cholelithiasis; Progressive familial intrahepatic cholestasis type 3; Cholestasis, intrahepatic, of pregnancy, 3. Last evaluated: 2024-06-19. Review status: criteria provided, single submitter. Criteria: ACMG Guidelines, 2015. Collection method: clinical testing. Allele origin: germline.

Women's Health and Genetics/Laboratory Corporation of America, LabCorp
Classification: Likely pathogenic for Progressive familial intrahepatic cholestasis. Last evaluated: 2022-11-10. Review status: criteria provided, single submitter. Criteria: LabCorp Variant Classification Summary - May 2015. Collection method: clinical testing. Allele origin: germline.
Comment: Variant summary: ABCB4 c.3486+1G>A is located in a canonical splice-site and is predicted to affect mRNA splicing resulting in a significantly altered protein due to either exon skipping, shortening, or inclusion of intronic material. Several computational tools predict a significant impact on normal splicing: Four predict the variant abolishes the canonical 5' splicing donor site. However, these predictions have yet to be confirmed by functional studies. The variant allele was found at a frequency of 4e-06 in 250994 control chromosomes (gnomAD). c.3486+1G>A has been reported in the literature in individuals affected with Familial Intrahepatic Cholestasis (example: Shagrani_2017 and Turro_2020). These data indicate that the variant may be associated with disease. To our knowledge, no experimental evidence demonstrating an impact on protein function has been reported. One clinical diagnostic laboratory has submitted clinical-significance assessments for this variant to ClinVar after 2014 and classified the variant as pathogenic. Based on the evidence outlined above, the variant was classified as likely pathogenic.

Blueprint Genetics
Classification: Likely pathogenic for ABCB4-related disorders. Last evaluated: 2021-12-21. Review status: criteria provided, single submitter. Criteria: ACMG Guidelines, 2015. Collection method: clinical testing. Allele origin: germline. Affected: yes. Observed: 2 variant alleles.

Eurofins Ntd Llc (ga)
Classification: Pathogenic. Last evaluated: 2017-05-02. Review status: criteria provided, single submitter. Criteria: EGL Classification Definitions 2015. Collection method: clinical testing. Allele origin: germline. Observed: 2 variant alleles, 2 heterozygotes.

PreventionGenetics, part of Exact Sciences
Classification: Pathogenic for ABCB4-related condition. Last evaluated: 2024-02-02. Review status: no assertion criteria provided. Collection method: clinical testing. Allele origin: germline. Not counted in ClinVar's aggregate classification.
Comment: The ABCB4 c.3486+1G>A variant is predicted to disrupt the GT donor site and interfere with normal splicing. This variant has been reported in the homozygous state in a patient with progressive familial intrahepatic cholestasis (described as c.3345+1G>A, Shagrani et al. 2017. PubMed ID: 28039895) and in the heterozygous state in a patient with intrahepatic cholestasis of pregnancy (described as c.3507+1G>A, Supplemental Table 2 in Turro et al. 2020. PubMed ID: 32581362). This variant is reported in 0.0062% of alleles in individuals of African descent in gnomAD. Variants that disrupt the consensus splice donor site in ABCB4 are expected to be pathogenic. This variant is interpreted as pathogenic.

NIHR Bioresource Rare Diseases, University of Cambridge
Classification: Likely pathogenic for Cholestasis, intrahepatic, of pregnancy, 3. Review status: no assertion criteria provided. Collection method: research. Allele origin: unknown. Affected: yes. Observed: 1 variant allele. Not counted in ClinVar's aggregate classification.

Literature cited by the submitters: PubMed 38343606 (cited by Genomenon, Inc); PubMed 28039895 (cited by 3 submitters); PubMed 16199547 (cited by Labcorp Genetics (formerly Invitae), Labcorp); PubMed 17726488 (cited by Labcorp Genetics (formerly Invitae), Labcorp); PubMed 25755532 (cited by Labcorp Genetics (formerly Invitae), Labcorp); PubMed 15077010 (cited by Labcorp Genetics (formerly Invitae), Labcorp); PubMed 32581362 (cited by 3 submitters).

NM_000443.4(ABCB4):c.3486+1G>A

Gene: ABCB4 (ATP binding cassette subfamily B member 4; minus strand). Cytogenetic location: 7q21.12.
Variant type: single nucleotide variant.
Coding change: c.3486+1G>A on transcript NM_000443.4 (MANE Select); the canonical splice donor site of the intron after coding-DNA position 3486, G replaced by A.
Molecular consequence: splice donor variant.
Genome position (GRCh38, 1-based): chr7:87,406,287, C>T on the plus strand (G>A on the coding strand, the complement: ABCB4 is on the minus strand). VCF-style: chr7-87406287-C-T. GRCh37 (hg19) VCF-style: chr7-87035603-C-T.
Other names: c.3345+1G>A (NM_018850.3); c.3507+1G>A (NM_018849.3).
Identifiers: ClinVar variation 501724 (VCV000501724.20), dbSNP rs764513998, ClinGen allele CA368058044.